The following is an entry in ClinVar:

ClinVar aggregate classification (germline): Likely pathogenic (1 of 4 stars; one submission).

Conditions:
Autosomal recessive nonsyndromic hearing loss 4 (DFNB4). Also called: Deafness, autosomal recessive 4; FOXI1-Related Pendred Syndrome; KCNJ10-Related Pendred Syndrome; DEAFNESS, AUTOSOMAL RECESSIVE 4, WITH ENLARGED VESTIBULAR AQUEDUCT, DIGENIC; NEUROSENSORY NONSYNDROMIC RECESSIVE DEAFNESS 4; Nonsyndromic enlarged vestibular aqueduct (NSEVA). Identifiers: Orphanet 90636, MedGen C3538946, MONDO:0010933, OMIM 600791.

Submission:

Institute of Rare Diseases, West China Hospital, Sichuan University
Classification: Likely pathogenic for Autosomal recessive nonsyndromic hearing loss 4. Last evaluated: 2025-01-09. Review status: criteria provided, single submitter. Criteria: ClinGen HL ACMG Specifications v1. Collection method: research. Allele origin: germline. Affected: yes.
Comment: PVS1;PM2_Supporting

NM_000441.2(SLC26A4):c.1395dup (p.Cys466fs)

Gene: SLC26A4 (solute carrier family 26 member 4; plus strand). Cytogenetic location: 7q22.3.
Variant type: Duplication.
Coding change: c.1395dup on transcript NM_000441.2 (MANE Select); coding-DNA position 1395, one base duplicated (G; older notation c.1395dupG).
Protein change: p.Cys466fs; shifts the reading frame from cysteine 466.
Molecular consequence: frameshift variant.
Genome position (GRCh38, 1-based): chr7:107,694,674, G duplicated. VCF-style (leftmost placement, unchanged base first): chr7-107694673-T-TG. GRCh37 (hg19) VCF-style: chr7-107335118-T-TG.
Other names: short protein forms C466fs.
Identifiers: ClinVar variation 3601720 (VCV003601720.1).